The following is an entry in ClinVar:

NM_002609.4(PDGFRB):c.475A>G (p.Thr159Ala)

Gene: PDGFRB (platelet derived growth factor receptor beta; minus strand). Cytogenetic location: 5q32.
Variant type: single nucleotide variant.
Coding change: c.475A>G on transcript NM_002609.4 (MANE Select); coding-DNA position 475, A replaced by G.
Protein change: p.Thr159Ala; replaces threonine 159 with alanine.
Molecular consequence: missense variant. On other transcripts: 5 prime UTR variant (1).
Genome position (GRCh38, 1-based): chr5:150,134,906, T>C on the plus strand (A>G on the coding strand, the complement: PDGFRB is on the minus strand). VCF-style: chr5-150134906-T-C. GRCh37 (hg19) VCF-style: chr5-149514469-T-C.
Other names: c.283A>G, p.Thr95Ala (NM_001355016.2); c.-43A>G (NM_001355017.2); short protein forms T159A, T95A.
Identifiers: ClinVar variation 5037581 (VCV005037581.1).

ClinVar aggregate classification (germline): Uncertain significance (1 of 4 stars; one submission).

gnomAD v4.1: 1 of 1,614,036 alleles (0.000062%); highest among the groups gnomAD compares: African/African-American, 0.0013%; no homozygotes.

Submission:

GeneDx
Classification: Uncertain significance. Last evaluated: 2026-04-23. Review status: criteria provided, single submitter. Criteria: GeneDx Variant Classification Process June 2021. Collection method: clinical testing. Allele origin: germline.
Comment: Not observed at significant frequency in large population cohorts (gnomAD); In silico analysis supports that this missense variant has a deleterious effect on protein structure/function; Has not been previously published as pathogenic or benign to our knowledge